The following is an entry in ClinVar:

NM_002454.3(MTRR):c.263del (p.His88fs)

Gene: MTRR (5-methyltetrahydrofolate-homocysteine methyltransferase reductase; plus strand). Cytogenetic location: 5p15.31.
Variant type: Deletion.
Coding change: c.263del on transcript NM_002454.3 (MANE Select); coding-DNA position 263, one base deleted (A; older notation c.263delA).
Protein change: p.His88fs; shifts the reading frame from histidine 88.
Molecular consequence: frameshift variant. On other transcripts: non-coding transcript variant (8).
Genome position (GRCh38, 1-based): chr5:7,873,506, A deleted. VCF-style (leftmost placement, unchanged base first): chr5-7873505-CA-C. GRCh37 (hg19) VCF-style: chr5-7873618-CA-C.
Other names: c.263del, p.His88fs (NM_001364440.2, NM_001364441.2, NM_001364442.2 and 1 more transcripts); short protein forms H88fs.
Identifiers: ClinVar variation 2773206 (VCV002773206.3), dbSNP rs2478705208, ClinGen allele CA2697547093.

ClinVar aggregate classification (germline): Pathogenic (1 of 4 stars; one submission).

Conditions:
Methylcobalamin deficiency type cblE (HMAE). Also called: VITAMIN B12-RESPONSIVE HOMOCYSTINURIA, cblE TYPE; HOMOCYSTINURIA-MEGALOBLASTIC ANEMIA, cblE COMPLEMENTATION TYPE; HOMOCYSTINURIA-MEGALOBLASTIC ANEMIA, cblE TYPE. Identifiers: Orphanet 2169, Orphanet 622, MedGen C1856057, MONDO:0009354, OMIM 236270.

Submission:

Labcorp Genetics (formerly Invitae), Labcorp
Classification: Pathogenic for Methylcobalamin deficiency type cblE. Last evaluated: 2023-11-01. Review status: criteria provided, single submitter. Criteria: Invitae Variant Classification Sherloc (09022015). Collection method: clinical testing. Allele origin: germline.
Comment: This sequence change creates a premature translational stop signal (p.His88Profs*23) in the MTRR gene. It is expected to result in an absent or disrupted protein product. Loss-of-function variants in MTRR are known to be pathogenic (PMID: 15714522). This variant is not present in population databases (gnomAD no frequency). This variant has not been reported in the literature in individuals affected with MTRR-related conditions. Algorithms developed to predict the effect of sequence changes on RNA splicing suggest that this variant may disrupt the consensus splice site. For these reasons, this variant has been classified as Pathogenic.

Literature cited by the submitters: PubMed 15714522.